The following is an entry in ClinVar:

NM_002470.4(MYH3):c.836A>C (p.Lys279Thr)

Gene: MYH3 (myosin heavy chain 3; minus strand). Cytogenetic location: 17p13.1.
Variant type: single nucleotide variant.
Coding change: c.836A>C on transcript NM_002470.4 (MANE Select); coding-DNA position 836, A replaced by C.
Protein change: p.Lys279Thr; replaces lysine 279 with threonine.
Molecular consequence: missense variant.
Genome position (GRCh38, 1-based): chr17:10,647,244, T>G on the plus strand (A>C on the coding strand, the complement: MYH3 is on the minus strand). VCF-style: chr17-10647244-T-G. GRCh37 (hg19) VCF-style: chr17-10550561-T-G.
Other names: short protein forms K279T.
Identifiers: ClinVar variation 2835869 (VCV002835869.3), dbSNP rs2508631074, ClinGen allele CA398177922.

ClinVar aggregate classification (germline): Uncertain significance (1 of 4 stars; one submission).

Submission:

Labcorp Genetics (formerly Invitae), Labcorp
Classification: Uncertain significance. Last evaluated: 2023-02-09. Review status: criteria provided, single submitter. Criteria: Invitae Variant Classification Sherloc (09022015). Collection method: clinical testing. Allele origin: germline.
Comment: In summary, the available evidence is currently insufficient to determine the role of this variant in disease. Therefore, it has been classified as a Variant of Uncertain Significance. Advanced modeling of protein sequence and biophysical properties (such as structural, functional, and spatial information, amino acid conservation, physicochemical variation, residue mobility, and thermodynamic stability) performed at Invitae indicates that this missense variant is not expected to disrupt MYH3 protein function. This variant has not been reported in the literature in individuals affected with MYH3-related conditions. This variant is not present in population databases (gnomAD no frequency). This sequence change replaces lysine, which is basic and polar, with threonine, which is neutral and polar, at codon 279 of the MYH3 protein (p.Lys279Thr).